The following is an entry in ClinVar:

ClinVar aggregate classification (germline): Pathogenic (1 of 4 stars; one submission).

Conditions:
Arrhythmogenic right ventricular dysplasia 8 (ARVD8). Also called: Arrhythmogenic Right Ventricular Dysplasia/Cardiomyopathy 8; ARRHYTHMOGENIC RIGHT VENTRICULAR DYSPLASIA, FAMILIAL, 8; ARRHYTHMOGENIC RIGHT VENTRICULAR CARDIOMYOPATHY 8. Identifiers: MedGen C1843896, MONDO:0011831, OMIM 607450.
Arrhythmogenic cardiomyopathy with wooly hair and keratoderma. Also called: PALMOPLANTAR KERATODERMA WITH LEFT VENTRICULAR CARDIOMYOPATHY AND WOOLLY HAIR; Arrhythmogenic cardiomyopathy with woolly hair and keratoderma; Carvajal syndrome; Dilated cardiomyopathy with woolly hair and keratoderma. Identifiers: Orphanet 65282, MedGen C1854063, MONDO:0011581, OMIM 605676.

Submission:

Labcorp Genetics (formerly Invitae), Labcorp
Classification: Pathogenic for Arrhythmogenic cardiomyopathy with wooly hair and keratoderma; Arrhythmogenic right ventricular dysplasia 8. Last evaluated: 2025-08-17. Review status: criteria provided, single submitter. Criteria: Invitae Variant Classification Sherloc (09022015). Collection method: clinical testing. Allele origin: germline.
Comment: This sequence change creates a premature translational stop signal (p.Ile276Phefs*41) in the DSP gene. It is expected to result in an absent or disrupted protein product. Loss-of-function variants in DSP are known to be pathogenic (PMID: 20716751, 24503780, 25227139). This variant is not present in population databases (gnomAD no frequency). This variant has not been reported in the literature in individuals affected with DSP-related conditions. For these reasons, this variant has been classified as Pathogenic.

Literature cited by the submitters: PubMed 20716751; PubMed 24503780; PubMed 25227139.

NM_004415.4(DSP):c.826del (p.Ile276fs)

Gene: DSP (desmoplakin; plus strand). Cytogenetic location: 6p24.3.
Variant type: Deletion.
Coding change: c.826del on transcript NM_004415.4 (MANE Select); coding-DNA position 826, one base deleted (A; older notation c.826delA).
Protein change: p.Ile276fs; shifts the reading frame from isoleucine 276.
Molecular consequence: frameshift variant.
Genome position (GRCh38, 1-based): chr6:7,565,407, A deleted. VCF-style (leftmost placement, unchanged base first): chr6-7565406-CA-C. GRCh37 (hg19) VCF-style: chr6-7565639-CA-C.
Other names: c.826del, p.Ile276fs (NM_001008844.3, NM_001319034.2, NM_001406591.1); short protein forms I276fs.
Identifiers: ClinVar variation 4784479 (VCV004784479.1).